The following is an entry in ClinVar:

NM_133259.4(LRPPRC):c.2415_2422del (p.Lys806fs)

Gene: LRPPRC (leucine rich pentatricopeptide repeat containing; minus strand). Cytogenetic location: 2p21.
Variant type: Deletion.
Coding change: c.2415_2422del on transcript NM_133259.4 (MANE Select); coding-DNA positions 2415 to 2422, 8 bases deleted (AAAACAGT; older notation c.2415_2422delAAAACAGT).
Protein change: p.Lys806fs; shifts the reading frame from lysine 806.
Molecular consequence: frameshift variant.
Genome position (GRCh38, 1-based): chr2:43,943,769-43,943,776, ACTGTTTT deleted on the plus strand (AAAACAGT on the coding strand, the reverse complement: LRPPRC is on the minus strand); deleting any 8 consecutive bases within chr2:43,943,769-43,943,783 gives the same sequence; the c. name uses the placement nearest the transcript's 3' end. VCF-style (leftmost placement, unchanged base first): chr2-43943768-AACTGTTTT-A. GRCh37 (hg19) VCF-style: chr2-44170907-AACTGTTTT-A.
Other names: short protein forms K806fs.
Identifiers: ClinVar variation 5014689 (VCV005014689.1).

ClinVar aggregate classification (germline): Pathogenic (1 of 4 stars; one submission).

Conditions:
Congenital lactic acidosis, Saguenay-Lac-Saint-Jean type (MC4DN5). Also called: CYTOCHROME c OXIDASE DEFICIENCY, FRENCH CANADIAN TYPE; COX DEFICIENCY, FRENCH CANADIAN TYPE; MITOCHONDRIAL COMPLEX IV DEFICIENCY, NUCLEAR TYPE 5. Identifiers: Orphanet 70472, MedGen C1857355, MONDO:0009069, OMIM 220111.

Submission:

Myriad Genetics, Inc.
Classification: Pathogenic for Congenital lactic acidosis, Saguenay-Lac-Saint-Jean type. Last evaluated: 2025-07-05. Review status: criteria provided, single submitter. Criteria: Myriad Autosomal Dominant, Autosomal Recessive and X-Linked Classification Criteria (2023). Collection method: clinical testing. Allele origin: unknown.
Comment: NM_133259.3(LRPPRC):c.2415_2422del8(K806Afs*2) is expected to be pathogenic in the context of Leigh syndrome, French-Canadian type. This variant is predicted to lead to an abnormal or absent protein product due to the creation of a premature termination codon in LRPPRC, a gene where loss-of-function variants are known to be pathogenic. Please note: this variant was assessed in the context of healthy population screening.